The following is an entry in ClinVar:

ClinVar aggregate classification (germline): Benign/Likely benign. Review status: criteria provided, multiple submitters, no conflicts (2 of 4 stars). 8 submissions from 8 submitters: Benign (1); Likely benign (7). Last evaluated 2025-12-22.

Conditions:
SDHB-related disorder. Also called: SDHB-related condition; SDHB-related disorders. Identifiers: MedGen CN239418.
Gastrointestinal stromal tumor. Also called: Gastrointestinal stroma tumor; Gastrointestinal stromal tumor, somatic. Identifiers: Orphanet 44890, MedGen C0238198, MeSH D046152, MONDO:0011719, OMIM 606764, HP:0100723.
Pheochromocytoma. Also called: MAX-Related Hereditary Paraganglioma-Pheochromocytoma Syndrome. Identifiers: Orphanet 29072, MedGen C0031511, MONDO:0008233, OMIM 171300, HP:0002666.
Pheochromocytoma/paraganglioma syndrome 4. Also called: PARAGANGLIOMA, FAMILIAL MALIGNANT; PARAGANGLIOMAS, HEREDITARY EXTRAADRENAL; PHEOCHROMOCYTOMA, FAMILIAL EXTRAADRENAL; SDHB-Related Hereditary Paraganglioma-Pheochromocytoma Syndrome (Paragangliomas 4); CAROTID BODY TUMORS AND MULTIPLE EXTRAADRENAL PHEOCHROMOCYTOMAS; Paragangliomas 4. Identifiers: Orphanet 29072, MedGen C1861848, MONDO:0007273, OMIM 115310.
Hereditary cancer-predisposing syndrome. Also called: Hereditary Cancer Syndrome; Tumor predisposition; Hereditary neoplastic syndrome; Neoplastic Syndromes, Hereditary. Identifiers: Orphanet 140162, MedGen C0027672, MeSH D009386, MONDO:0015356.
Hereditary pheochromocytoma and paraganglioma. Also called: Hereditary paragangliomas and pheochromocytomas; Hereditary pheochromocytoma-paraganglioma; Hereditary Paraganglioma-Pheochromocytoma Syndromes. Identifiers: Orphanet 29072, MedGen C4274332, MONDO:0017366.

Allele frequency attached by ClinVar (database versions not stated): TOPMed 0.00001; gnomAD exomes 0.00004 and 0.00005; gnomAD 0.00007; ExAC 0.00008; ESP Exome Variant Server 0.00008.
gnomAD v4.1: 74 of 1,613,570 alleles (0.0046%); highest among the groups gnomAD compares: Non-Finnish European, 0.0061%; no homozygotes.

Submissions (8):

Labcorp Genetics (formerly Invitae), Labcorp
Classification: Likely benign for Gastrointestinal stromal tumor; Pheochromocytoma/paraganglioma syndrome 4; Pheochromocytoma. Last evaluated: 2025-12-22. Review status: criteria provided, single submitter. Criteria: Invitae Variant Classification Sherloc (09022015). Collection method: clinical testing. Allele origin: germline.

PreventionGenetics, part of Exact Sciences
Classification: Likely benign for SDHB-related condition. Last evaluated: 2025-09-18. Review status: criteria provided, single submitter. Criteria: ACMG Guidelines, 2015. Collection method: clinical testing. Allele origin: germline.
Comment: This variant is classified as likely benign based on ACMG/AMP sequence variant interpretation guidelines (Richards et al. 2015 PMID: 25741868, with internal and published modifications).

Myriad Genetics, Inc.
Classification: Benign for Pheochromocytoma/paraganglioma syndrome 4. Last evaluated: 2025-03-12. Review status: criteria provided, single submitter. Criteria: Myriad Autosomal Dominant, Autosomal Recessive and X-Linked Classification Criteria (2023). Collection method: clinical testing. Allele origin: unknown.
Comment: This variant is considered benign. This variant is a silent/synonymous amino acid change and it is not expected to impact splicing.

Center for Genomic Medicine, Rigshospitalet, Copenhagen University Hospital
Classification: Likely benign. Last evaluated: 2025-03-04. Review status: criteria provided, single submitter. Criteria: ACMG Guidelines, 2015. Collection method: clinical testing. Allele origin: germline.

All of Us Research Program, National Institutes of Health
Classification: Likely benign for Hereditary pheochromocytoma and paraganglioma. Last evaluated: 2023-12-13. Review status: criteria provided, single submitter. Criteria: ACMG Guidelines, 2015. Collection method: clinical testing. Allele origin: germline. Inheritance: Autosomal dominant inheritance. Observed: 11 variant alleles, 11 heterozygotes.
Comment: This study involves interpretation of variants in research participants for the purpose of population health screening. Participant phenotype was not available at the time of variant classification. Additional details can be found in publication PMID: 35346344, PMCID: PMC8962531

Color Diagnostics, LLC DBA Color Health
Classification: Likely benign for Hereditary pheochromocytoma and paraganglioma. Last evaluated: 2022-10-20. Review status: criteria provided, single submitter. Criteria: ACMG Guidelines, 2015. Collection method: clinical testing. Allele origin: germline.

Blueprint Genetics
Classification: Likely benign. Last evaluated: 2022-09-26. Review status: criteria provided, single submitter. Criteria: ACMG Guidelines, 2015. Collection method: clinical testing. Allele origin: germline.

Ambry Genetics
Classification: Likely benign for Hereditary cancer-predisposing syndrome. Last evaluated: 2018-03-30. Review status: criteria provided, single submitter. Criteria: Ambry Variant Classification Scheme 2023. Collection method: clinical testing. Allele origin: germline.

Literature cited by the submitters: PubMed 27819762 (cited by Ambry Genetics).

NM_003000.3(SDHB):c.225T>C (p.Ala75=)

Gene: SDHB (succinate dehydrogenase complex iron sulfur subunit B; minus strand). Cytogenetic location: 1p36.13.
Variant type: single nucleotide variant.
Coding change: c.225T>C on transcript NM_003000.3 (MANE Select); coding-DNA position 225, T replaced by C.
Protein change: p.Ala75=; no amino-acid change (alanine 75 retained).
Molecular consequence: synonymous variant.
Genome position (GRCh38, 1-based): chr1:17,033,121, A>G on the plus strand (T>C on the coding strand, the complement: SDHB is on the minus strand). VCF-style: chr1-17033121-A-G. GRCh37 (hg19) VCF-style: chr1-17359616-A-G.
Identifiers: ClinVar variation 417296 (VCV000417296.27), dbSNP rs201762207, ClinGen allele CA089546.